The following is an entry in ClinVar:

NM_001385682.1(MAP4):c.1280C>A (p.Ser427Tyr)

Gene: MAP4 (microtubule associated protein 4; minus strand). Cytogenetic location: 3p21.31.
Variant type: single nucleotide variant.
Coding change: c.1280C>A on transcript NM_001385682.1 (MANE Select); coding-DNA position 1280, C replaced by A.
Protein change: p.Ser427Tyr; replaces serine 427 with tyrosine.
Molecular consequence: missense variant. On other transcripts: intron variant (12).
Genome position (GRCh38, 1-based): chr3:47,916,547, G>T on the plus strand (C>A on the coding strand, the complement: MAP4 is on the minus strand). VCF-style: chr3-47916547-G-T. GRCh37 (hg19) VCF-style: chr3-47958037-G-T.
Other names: c.1208C>A, p.Ser403Tyr (NM_001384789.1, NM_001384791.1, NM_001384793.1 and 2 more transcripts); c.1331C>A, p.Ser444Tyr (NM_001384790.1, NM_001384792.1, NM_001384794.1 and 9 more transcripts); c.1367C>A, p.Ser456Tyr (NM_001384795.1); c.1280C>A, p.Ser427Tyr (NM_001384814.1, NM_001384819.1, NM_001384820.1 and 41 more transcripts); c.1211C>A, p.Ser404Tyr (NM_001384816.1, NM_001384828.1, NM_001384869.1 and 10 more transcripts); c.1166C>A, p.Ser389Tyr (NM_001384825.1, NM_001384851.1, NM_001384876.1 and 4 more transcripts); c.1157C>A, p.Ser386Tyr (NM_001384826.1, NM_001384850.1, NM_001384804.1 and 14 more transcripts); c.1043C>A, p.Ser348Tyr (NM_001384843.1, NM_001384803.1, NM_001384807.1 and 1 more transcripts); and 15 more; short protein forms S279Y, S320Y, S325Y, S348Y, S363Y, S386Y, S389Y, S397Y.
Identifiers: ClinVar variation 3059551 (VCV003059551.2), dbSNP rs1060407, ClinGen allele CA2371486.

ClinVar aggregate classification (germline): Benign (0 of 4 stars; one submission).

Conditions:
MAP4-related disorder. Also called: MAP4-related condition.

Allele frequency attached by ClinVar (database versions not stated): gnomAD 0.24793; TOPMed 0.25203; 1000 Genomes Project 30x 0.25578; ESP Exome Variant Server 0.24996; ExAC 0.28970; 1000 Genomes Project 0.25180.

Submission:

PreventionGenetics, part of Exact Sciences
Classification: Benign for MAP4-related condition. Last evaluated: 2019-10-25. Review status: no assertion criteria provided. Collection method: clinical testing. Allele origin: germline.
Comment: This variant is classified as benign based on ACMG/AMP sequence variant interpretation guidelines (Richards et al. 2015 PMID: 25741868, with internal and published modifications).